The following is an entry in ClinVar:

ClinVar aggregate classification (germline): Likely pathogenic (1 of 4 stars; one submission).

Conditions:
Primary ciliary dyskinesia. Also called: Ciliary dyskinesia. Identifiers: Orphanet 244, MedGen C0008780, MONDO:0016575, HP:0012265.

Submission:

Labcorp Genetics (formerly Invitae), Labcorp
Classification: Likely pathogenic for Primary ciliary dyskinesia. Last evaluated: 2023-11-14. Review status: criteria provided, single submitter. Criteria: Invitae Variant Classification Sherloc (09022015). Collection method: clinical testing. Allele origin: germline.
Comment: This sequence change affects a donor splice site in intron 8 of the CCDC39 gene. It is expected to disrupt RNA splicing. Variants that disrupt the donor or acceptor splice site typically lead to a loss of protein function (PMID: 16199547), and loss-of-function variants in CCDC39 are known to be pathogenic (PMID: 21131972, 23255504). This variant is not present in population databases (gnomAD no frequency). This variant has not been reported in the literature in individuals affected with CCDC39-related conditions. Algorithms developed to predict the effect of sequence changes on RNA splicing suggest that this variant may disrupt the consensus splice site. In summary, the currently available evidence indicates that the variant is pathogenic, but additional data are needed to prove that conclusively. Therefore, this variant has been classified as Likely Pathogenic.

Literature cited by the submitters: PubMed 16199547; PubMed 21131972; PubMed 23255504.

NM_181426.2(CCDC39):c.1034+1G>A

Gene: CCDC39 (coiled-coil domain 39 molecular ruler complex subunit; minus strand). Cytogenetic location: 3q26.33.
Variant type: single nucleotide variant.
Coding change: c.1034+1G>A on transcript NM_181426.2 (MANE Select); the canonical splice donor site of the intron after coding-DNA position 1034, G replaced by A.
Molecular consequence: splice donor variant.
Genome position (GRCh38, 1-based): chr3:180,652,162, C>T on the plus strand (G>A on the coding strand, the complement: CCDC39 is on the minus strand). VCF-style: chr3-180652162-C-T. GRCh37 (hg19) VCF-style: chr3-180369950-C-T.
Identifiers: ClinVar variation 3003547 (VCV003003547.3), dbSNP rs1280721587, ClinGen allele CA355299227.